The following is an entry in ClinVar:

NM_001267550.2(TTN):c.96057T>A (p.Asp32019Glu)

Genes: TTN (titin; minus strand), TTN-AS1 (TTN antisense RNA 1; plus strand), LOC126806421 (CDK7 strongly-dependent group 2 enhancer GRCh37_chr2:179407630-179408829; plus strand). Cytogenetic location: 2q31.2.
Variant type: single nucleotide variant.
Coding change: c.96057T>A on transcript NM_001267550.2 (MANE Select); coding-DNA position 96057, T replaced by A.
Protein change: p.Asp32019Glu; replaces aspartic acid 32019 with glutamic acid.
Molecular consequence: missense variant.
Genome position (GRCh38, 1-based): chr2:178,544,087, A>T on the plus strand (T>A on the coding strand, the complement: TTN is on the minus strand). VCF-style: chr2-178544087-A-T. GRCh37 (hg19) VCF-style: chr2-179408814-A-T.
Other names: c.91134T>A, p.Asp30378Glu (NM_001256850.1); c.68862T>A, p.Asp22954Glu (NM_003319.4); c.88353T>A, p.Asp29451Glu (NM_133378.4); c.69237T>A, p.Asp23079Glu (NM_133432.3); c.69438T>A, p.Asp23146Glu (NM_133437.4); short protein forms D29451E, D32019E, D23079E, D30378E, D22954E, D23146E.
Identifiers: ClinVar variation 191842 (VCV000191842.1), dbSNP rs786205366, ClinGen allele CA237677.

ClinVar aggregate classification (germline): Uncertain significance (1 of 4 stars; one submission).

Allele frequency attached by ClinVar (database versions not stated): gnomAD exomes below 0.00001; TOPMed below 0.00001; gnomAD 0.00001.
gnomAD v4.1: 1 of 1,610,310 alleles (0.000062%); highest among the groups gnomAD compares: African/African-American, 0.0013%; no homozygotes.

Submission:

Biesecker Lab/Clinical Genomics Section, National Institutes of Health
Classification: Uncertain significance. Last evaluated: 2013-06-24. Review status: criteria provided, single submitter. Criteria: Ng et al. (Circ Cardiovasc Genet. 2013). Collection method: research. Allele origin: unknown. Observed: 1 variant allele. Study: ClinSeq.
Comment: The study set was not selected for affection status in relation to any cancer. Pathogenicity categories were based on literature curation. See Pubmed ID:23861362 for details.

Medical sequencing